The following is an entry in ClinVar:

NM_001006658.3(CR2):c.2967G>A (p.Met989Ile)

Gene: CR2 (complement C3d receptor 2; plus strand). Cytogenetic location: 1q32.2.
Variant type: single nucleotide variant.
Coding change: c.2967G>A on transcript NM_001006658.3 (MANE Select); coding-DNA position 2967, G replaced by A.
Protein change: p.Met989Ile; replaces methionine 989 with isoleucine.
Molecular consequence: missense variant.
Genome position (GRCh38, 1-based): chr1:207,477,949, G>A. VCF-style: chr1-207477949-G-A. GRCh37 (hg19) VCF-style: chr1-207651294-G-A.
Other names: c.2790G>A, p.Met930Ile (NM_001877.5); short protein forms M930I, M989I.
Identifiers: ClinVar variation 951754 (VCV000951754.7), dbSNP rs146465618, ClinGen allele CA1369098.

ClinVar aggregate classification (germline): Uncertain significance. Review status: criteria provided, multiple submitters, no conflicts (2 of 4 stars). 3 submissions from 3 submitters: Uncertain significance (3). Last evaluated 2022-09-07.

Conditions:
Immunodeficiency, common variable, 2 (CVID2). Also called: ANTIBODY DEFICIENCY DUE TO TACI DEFECT; HYPOGAMMAGLOBULINEMIA DUE TO TACI DEFICIENCY. Identifiers: Orphanet 1572, MedGen C3150354, MONDO:0009413, OMIM 240500.
Immunodeficiency, common variable, 7. Identifiers: Orphanet 1572, Orphanet 696894, MedGen C3542922, MONDO:0013862, OMIM 614699.

Allele frequency attached by ClinVar (database versions not stated): gnomAD 0.00016 and 0.00017; TOPMed 0.00019; ESP Exome Variant Server 0.00008; gnomAD exomes 0.00011 and 0.00017; 1000 Genomes Project 0.00060; 1000 Genomes Project 30x 0.00062; ExAC 0.00014.
gnomAD v4.1: 202 of 1,614,088 alleles (0.013%); highest among the groups gnomAD compares: Middle Eastern, 0.099%; no homozygotes.

Submissions (3):

Labcorp Genetics (formerly Invitae), Labcorp
Classification: Uncertain significance for Immunodeficiency, common variable, 7. Last evaluated: 2022-09-07. Review status: criteria provided, single submitter. Criteria: Invitae Variant Classification Sherloc (09022015). Collection method: clinical testing. Allele origin: germline.
Comment: This sequence change replaces methionine, which is neutral and non-polar, with isoleucine, which is neutral and non-polar, at codon 989 of the CR2 protein (p.Met989Ile). This variant is present in population databases (rs146465618, gnomAD 0.2%). This missense change has been observed in individual(s) with common variable immunodeficiency (PMID: 29867916). ClinVar contains an entry for this variant (Variation ID: 951754). Algorithms developed to predict the effect of missense changes on protein structure and function output the following: SIFT: "Tolerated"; PolyPhen-2: "Benign"; Align-GVGD: "Class C0". The isoleucine amino acid residue is found in multiple mammalian species, which suggests that this missense change does not adversely affect protein function. In summary, the available evidence is currently insufficient to determine the role of this variant in disease. Therefore, it has been classified as a Variant of Uncertain Significance.

Department of Pathology and Laboratory Medicine, Sinai Health System
Classification: Uncertain significance for Immunodeficiency, common variable, 2. Last evaluated: 2021-12-21. Review status: criteria provided, single submitter. Criteria: ACMG Guidelines, 2015. Collection method: research. Allele origin: germline.

Breakthrough Genomics
Classification: Uncertain significance. Review status: criteria provided, single submitter. Criteria: ACMG Guidelines, 2015. Collection method: not provided. Allele origin: germline. Inheritance: Autosomal recessive inheritance. Affected: yes.

Literature cited by the submitters: PubMed 29867916 (cited by Labcorp Genetics (formerly Invitae), Labcorp).